The following is an entry in ClinVar:

NM_001458.5(FLNC):c.2843G>A (p.Gly948Glu)

Gene: FLNC (filamin C; plus strand). Cytogenetic location: 7q32.1.
Variant type: single nucleotide variant.
Coding change: c.2843G>A on transcript NM_001458.5 (MANE Select); coding-DNA position 2843, G replaced by A.
Protein change: p.Gly948Glu; replaces glycine 948 with glutamic acid.
Molecular consequence: missense variant.
Genome position (GRCh38, 1-based): chr7:128,843,827, G>A. VCF-style: chr7-128843827-G-A. GRCh37 (hg19) VCF-style: chr7-128483881-G-A.
Other names: c.2843G>A, p.Gly948Glu (NM_001127487.2); short protein forms G948E.
Identifiers: ClinVar variation 1026316 (VCV001026316.13), dbSNP rs373298499, ClinGen allele CA4474881.

ClinVar aggregate classification (germline): Conflicting classifications of pathogenicity. Review status: criteria provided, conflicting classifications (1 of 4 stars). 3 submissions from 3 submitters: Uncertain significance (2); Likely benign (1). Last evaluated 2025-11-20.

Conditions:
Myofibrillar myopathy 5. Also called: Filaminopathy (type); FILAMINOPATHY, AUTOSOMAL DOMINANT. Identifiers: Orphanet 171445, MedGen C1836050, MONDO:0012289, OMIM 609524.
Distal myopathy with posterior leg and anterior hand involvement. Also called: WILLIAMS DISTAL MYOPATHY. Identifiers: Orphanet 63273, MedGen C3279722, MONDO:0013550, OMIM 614065.
Hypertrophic cardiomyopathy 26. Also called: Cardiomyopathy, familial hypertrophic, 26. Identifiers: Orphanet 75249, MedGen C4310749, MONDO:0014883, OMIM 617047.
Cardiovascular phenotype. Identifiers: MedGen CN230736.

Allele frequency attached by ClinVar (database versions not stated): gnomAD exomes below 0.00001 and 0.00002; ExAC 0.00003; gnomAD 0.00007; TOPMed 0.00009.
gnomAD v4.1: 14 of 1,613,782 alleles (0.00087%); highest among the groups gnomAD compares: African/African-American, 0.017%; no homozygotes.

Submissions (3):

Labcorp Genetics (formerly Invitae), Labcorp
Classification: Likely benign for Distal myopathy with posterior leg and anterior hand involvement; Myofibrillar myopathy 5; Hypertrophic cardiomyopathy 26. Last evaluated: 2025-11-20. Review status: criteria provided, single submitter. Criteria: Invitae Variant Classification Sherloc (09022015). Collection method: clinical testing. Allele origin: germline.

Ambry Genetics
Classification: Uncertain significance for Cardiovascular phenotype. Last evaluated: 2023-04-17. Review status: criteria provided, single submitter. Criteria: Ambry Variant Classification Scheme 2023. Collection method: clinical testing. Allele origin: germline.
Comment: The p.G948E variant (also known as c.2843G>A), located in coding exon 19 of the FLNC gene, results from a G to A substitution at nucleotide position 2843. The glycine at codon 948 is replaced by glutamic acid, an amino acid with similar properties. This amino acid position is highly conserved in available vertebrate species. In addition, this alteration is predicted to be deleterious by in silico analysis. Since supporting evidence is limited at this time, the clinical significance of this alteration remains unclear.

GeneDx
Classification: Uncertain significance. Last evaluated: 2019-04-12. Review status: criteria provided, single submitter. Criteria: GeneDx Variant Classification Process June 2021. Collection method: clinical testing. Allele origin: germline. Affected: yes.
Comment: In silico analysis, which includes protein predictors and evolutionary conservation, supports a deleterious effect; Has not been previously published as pathogenic or benign to our knowledge